The following is an entry in ClinVar:

NM_004333.6(BRAF):c.2026C>G (p.Pro676Ala)

Gene: BRAF (B-Raf proto-oncogene, serine/threonine kinase; minus strand). Cytogenetic location: 7q34.
Variant type: single nucleotide variant.
Coding change: c.2026C>G on transcript NM_004333.6 (MANE Select); coding-DNA position 2026, C replaced by G.
Protein change: p.Pro676Ala; replaces proline 676 with alanine.
Molecular consequence: missense variant.
Genome position (GRCh38, 1-based): chr7:140,739,913, G>C on the plus strand (C>G on the coding strand, the complement: BRAF is on the minus strand). VCF-style: chr7-140739913-G-C. GRCh37 (hg19) VCF-style: chr7-140439713-G-C.
Other names: c.2026C>G, p.Pro676Ala (NM_001354609.2, NM_001378468.1, NM_001378474.1); c.2146C>G, p.Pro716Ala (NM_001374244.1, NM_001374258.1); c.2035C>G, p.Pro679Ala (NM_001378467.1); c.1960C>G, p.Pro654Ala (NM_001378469.1); c.1924C>G, p.Pro642Ala (NM_001378470.1); c.1915C>G, p.Pro639Ala (NM_001378471.1); c.1870C>G, p.Pro624Ala (NM_001378472.1, NM_001378473.1); c.1762C>G, p.Pro588Ala (NM_001378475.1); short protein forms P588A, P624A, P639A, P642A, P654A, P676A, P679A, P716A.
Identifiers: ClinVar variation 5038355 (VCV005038355.1).
Genomic context (GRCh38, chr7:140,739,913, plus strand): 5'-ACTCTGCCATTAATCTCTTCATGGCTTTTGGACAGTTACTCCGTACCTTACTGAGATCTG[G>C]AGACAGGTATCCTCGTCCCACCATAAAAATTATCTGGAGAGAGAAAAAAAAGGGAAATAA-3'
Protein context (NP_004324.2, residues 666-686): IFMVGRGYLS[Pro676Ala]DLSKVRSNCP

ClinVar aggregate classification (germline): Uncertain significance (1 of 4 stars; one submission).

Conditions:
Noonan syndrome 7 (NS7). Also called: BRAF-Related Noonan Syndrome. Identifiers: Orphanet 648, MedGen C3150970, MONDO:0013379, OMIM 613706.

gnomAD v4.1: 1 of 1,613,706 alleles (0.000062%); highest among the groups gnomAD compares: Non-Finnish European, 0.000085%; no homozygotes.

Submission:

St. Jude Molecular Pathology, St. Jude Children's Research Hospital
Classification: Uncertain significance for Noonan syndrome 7. Last evaluated: 2026-10-01. Review status: criteria provided, single submitter. Criteria: St. Jude Assertion Criteria 2020. Collection method: clinical testing. Allele origin: germline.
Comment: The BRAF c .2026C>G p.(Pro676Ala) missense change is absent in gnomAD v2.1.1. The in silico tool REVEL predicts a deleterious effect on protein function, but to our knowledge this prediction has not been confirmed by functional studies. To our knowledge, this variant has not been reported in individuals with RASopathy conditions. In summary, the evidence currently available is insufficient to determine the clinical significance of this variant. It has therefore been classified as of uncertain significance.